The following is an entry in ClinVar:

NM_001014.5(RPS10):c.231G>A (p.Gln77=)

Genes: RPS10 (ribosomal protein S10; minus strand), RPS10-NUDT3 (RPS10-NUDT3 readthrough; minus strand). Cytogenetic location: 6p21.31.
Variant type: single nucleotide variant.
Coding change: c.231G>A on transcript NM_001014.5 (MANE Select); coding-DNA position 231, G replaced by A.
Protein change: p.Gln77=; no amino-acid change (glutamine 77 retained).
Molecular consequence: synonymous variant.
Genome position (GRCh38, 1-based): chr6:34,424,760, C>T on the plus strand (G>A on the coding strand, the complement: RPS10 is on the minus strand). VCF-style: chr6-34424760-C-T. GRCh37 (hg19) VCF-style: chr6-34392537-C-T.
Other names: c.231G>A, p.Gln77= (NM_001202470.3, NM_001203245.3, NM_001204091.2).
Identifiers: ClinVar variation 238211 (VCV000238211.24), dbSNP rs147863199, ClinGen allele CA3765096.

ClinVar aggregate classification (germline): Benign/Likely benign. Review status: criteria provided, multiple submitters, no conflicts (2 of 4 stars). 6 submissions from 6 submitters: Benign (3); Likely benign (3). Last evaluated 2026-05-01.

Conditions:
Diamond-Blackfan anemia 9 (DBA9). Also called: RPS10-Related Diamond-Blackfan Anemia. Identifiers: Orphanet 124, MedGen C2750081, MONDO:0013216, OMIM 613308.
Diamond-Blackfan anemia. Also called: Blackfan Diamond syndrome; Aregenerative anemia chronic congenital; Red cell aplasia, pure hereditary; Congenital hypoplastic anemia; Aase syndrome. Identifiers: Orphanet 124, MedGen C1260899, MeSH D029503, MONDO:0015253, HP:0004810.

Allele frequency attached by ClinVar (database versions not stated): 1000 Genomes Project 30x 0.00078; 1000 Genomes Project 0.00080; TOPMed 0.00116; gnomAD 0.00124 and 0.00125; gnomAD exomes 0.00167; ExAC 0.00182; ESP Exome Variant Server 0.00192.
gnomAD v4.1: 3,296 of 1,614,136 alleles (0.2%); highest among the groups gnomAD compares: Non-Finnish European, 0.24%; 7 homozygotes.

Submissions (6):

CeGaT Center for Human Genetics Tuebingen
Classification: Likely benign. Last evaluated: 2026-05-01. Review status: criteria provided, single submitter. Criteria: CeGaT Center For Human Genetics Tuebingen Variant Classification Criteria Version 2. Collection method: clinical testing. Allele origin: germline. Affected: yes. Observed: 1 variant allele.
Comment: RPS10: BP4, BS2

Labcorp Genetics (formerly Invitae), Labcorp
Classification: Benign for Diamond-Blackfan anemia. Last evaluated: 2026-02-02. Review status: criteria provided, single submitter. Criteria: Invitae Variant Classification Sherloc (09022015). Collection method: clinical testing. Allele origin: germline.

Blueprint Genetics
Classification: Likely benign. Last evaluated: 2024-11-15. Review status: criteria provided, single submitter. Criteria: ACMG Guidelines, 2015. Collection method: clinical testing. Allele origin: germline.

Ambry Genetics
Classification: Likely benign for Diamond-Blackfan anemia. Last evaluated: 2022-07-06. Review status: criteria provided, single submitter. Criteria: Ambry Variant Classification Scheme 2023. Collection method: clinical testing. Allele origin: germline.

Genetic Services Laboratory, University of Chicago
Classification: Benign. Last evaluated: 2019-10-04. Review status: criteria provided, single submitter. Criteria: ACMG Guidelines, 2015. Collection method: clinical testing. Allele origin: germline. Affected: no.

Illumina Laboratory Services, Illumina
Classification: Benign for Diamond-Blackfan anemia 9. Last evaluated: 2018-01-13. Review status: criteria provided, single submitter. Criteria: ICSL Variant Classification Criteria 13 December 2019. Collection method: clinical testing. Allele origin: germline.
Comment: This variant was observed in the ICSL laboratory as part of a predisposition screen in an ostensibly healthy population. It had not been previously curated by ICSL or reported in the Human Gene Mutation Database (HGMD: prior to June 1st, 2018), and was therefore a candidate for classification through an automated scoring system. Utilizing variant allele frequency, disease prevalence and penetrance estimates, and inheritance mode, an automated score was calculated to assess if this variant is too frequent to cause the disease. Based on the score and internal cut-off values, a variant classified as benign is not then subjected to further curation. The score for this variant resulted in a classification of benign for this disease.